The following is an entry in ClinVar:

ClinVar aggregate classification (germline): Uncertain significance (1 of 4 stars; one submission).

Conditions:
ABCA12-related disorder. Also called: ABCA12-related condition.

Submission:

PreventionGenetics, part of Exact Sciences
Classification: Uncertain significance for ABCA12-related condition. Last evaluated: 2023-08-15. Review status: criteria provided, single submitter. Criteria: ACMG Guidelines, 2015. Collection method: clinical testing. Allele origin: germline.
Comment: The ABCA12 c.163+5G>A variant is predicted to interfere with splicing. To our knowledge, this variant has not been reported in the literature or in a large population database, indicating this variant is rare. At this time, the clinical significance of this variant is uncertain due to the absence of conclusive functional and genetic evidence.

NM_173076.3(ABCA12):c.163+5G>A

Gene: ABCA12 (ATP binding cassette subfamily A member 12; minus strand). Cytogenetic location: 2q35.
Variant type: single nucleotide variant.
Coding change: c.163+5G>A on transcript NM_173076.3 (MANE Select); 5 bases into the intron after coding-DNA position 163, G replaced by A.
Molecular consequence: intron variant.
Genome position (GRCh38, 1-based): chr2:215,111,592, C>T on the plus strand (G>A on the coding strand, the complement: ABCA12 is on the minus strand). VCF-style: chr2-215111592-C-T. GRCh37 (hg19) VCF-style: chr2-215976315-C-T.
Identifiers: ClinVar variation 2631006 (VCV002631006.1), dbSNP rs2469552876, ClinGen allele CA2695197117.